The following is an entry in ClinVar:

NM_020184.4(CNNM4):c.1288G>T (p.Val430Leu)

Gene: CNNM4 (cyclin and CBS domain divalent metal cation transport mediator 4; plus strand). Cytogenetic location: 2q11.2.
Variant type: single nucleotide variant.
Coding change: c.1288G>T on transcript NM_020184.4 (MANE Select); coding-DNA position 1288, G replaced by T.
Protein change: p.Val430Leu; replaces valine 430 with leucine.
Molecular consequence: missense variant.
Genome position (GRCh38, 1-based): chr2:96,762,287, G>T. VCF-style: chr2-96762287-G-T. GRCh37 (hg19) VCF-style: chr2-97428024-G-T.
Other names: short protein forms V430L.
Identifiers: ClinVar variation 1468893 (VCV001468893.8), dbSNP rs2153342008, ClinGen allele CA347717272.

ClinVar aggregate classification (germline): Uncertain significance (1 of 4 stars; one submission).

Submission:

Labcorp Genetics (formerly Invitae), Labcorp
Classification: Uncertain significance. Last evaluated: 2022-02-04. Review status: criteria provided, single submitter. Criteria: Invitae Variant Classification Sherloc (09022015). Collection method: clinical testing. Allele origin: germline.
Comment: This variant has not been reported in the literature in individuals affected with CNNM4-related conditions. In summary, the available evidence is currently insufficient to determine the role of this variant in disease. Therefore, it has been classified as a Variant of Uncertain Significance. Algorithms developed to predict the effect of missense changes on protein structure and function (SIFT, PolyPhen-2, Align-GVGD) all suggest that this variant is likely to be tolerated. This variant is not present in population databases (gnomAD no frequency). This sequence change replaces valine, which is neutral and non-polar, with leucine, which is neutral and non-polar, at codon 430 of the CNNM4 protein (p.Val430Leu).